The following is an entry in ClinVar:

NM_001048174.2(MUTYH):c.1555G>T (p.Ala519Ser)

Gene: MUTYH (mutY DNA glycosylase; minus strand). Cytogenetic location: 1p34.1.
Variant type: single nucleotide variant.
Coding change: c.1555G>T on transcript NM_001048174.2 (MANE Select); coding-DNA position 1555, G replaced by T.
Protein change: p.Ala519Ser; replaces alanine 519 with serine.
Molecular consequence: missense variant. On other transcripts: non-coding transcript variant (7).
Genome position (GRCh38, 1-based): chr1:45,329,317, C>A on the plus strand (G>T on the coding strand, the complement: MUTYH is on the minus strand). VCF-style: chr1-45329317-C-A. GRCh37 (hg19) VCF-style: chr1-45794989-C-A.
Other names: c.1555G>T, p.Ala519Ser (NM_001407081.1, NM_001407088.1, NM_001407089.1 and 6 more transcripts); c.1210G>T, p.Ala404Ser (NM_001407082.1, NM_001350650.2, NM_001350651.2); c.1597G>T, p.Ala533Ser (NM_001407083.1, NM_001407085.1); c.1558G>T, p.Ala520Ser (NM_001407086.1, NM_001048172.2, NM_001407071.1 and 1 more transcripts); c.1576G>T, p.Ala526Ser (NM_001407087.1); c.1279G>T, p.Ala427Ser (NM_001407091.1, NM_001293192.2, NM_001293196.2); c.1630G>T, p.Ala544Ser (NM_012222.3); c.1639G>T, p.Ala547Ser (NM_001128425.2); and 5 more; short protein forms A427S, A530S, A534S, A404S, A520S, A526S, A544S, A491S.
Identifiers: ClinVar variation 4113483 (VCV004113483.1).
Genomic context (GRCh38, chr1:45,329,317, plus strand): 5'-GCACTTTACTAACAACAGGATTCTCAGGGAATGGGGGCTTTCAGAGGTGTCACTGGGCTG[C>A]ACTGTTGAGGCTGTGTGCATCAGTGGAGATGTGAGACCGAAAGAAATTATCCAGGACTTG-3'
Protein context (NP_001041639.1, residues 509-521): ISTDAHSLNS[Ala519Ser]AQ

ClinVar aggregate classification (germline): Uncertain significance (1 of 4 stars; one submission).

Conditions:
Hereditary cancer-predisposing syndrome. Also called: Hereditary neoplastic syndrome; Neoplastic Syndromes, Hereditary; Tumor predisposition; Hereditary Cancer Syndrome. Identifiers: Orphanet 140162, MedGen C0027672, MeSH D009386, MONDO:0015356.

Submission:

Ambry Genetics
Classification: Uncertain significance for Hereditary cancer-predisposing syndrome. Last evaluated: 2025-08-27. Review status: criteria provided, single submitter. Criteria: Ambry Variant Classification Scheme 2023. Collection method: clinical testing. Allele origin: germline.
Comment: The p.A547S variant (also known as c.1639G>T), located in coding exon 16 of the MUTYH gene, results from a G to T substitution at nucleotide position 1639. The alanine at codon 547 is replaced by serine, an amino acid with similar properties. This amino acid position is conserved. In addition, this alteration is predicted to be tolerated by in silico analysis. Based on the available evidence, the clinical significance of this variant remains unclear.